The following is an entry in ClinVar:

ClinVar aggregate classification (germline): Uncertain significance (1 of 4 stars; one submission).

Conditions:
Hereditary sensory and autonomic neuropathy with spastic paraplegia (HSNSP). Identifiers: Orphanet 139578, MedGen C1850395, MONDO:0009748, OMIM 256840.

Allele frequency attached by ClinVar (database versions not stated): gnomAD exomes below 0.00001.
gnomAD v4.1: 1 of 1,614,238 alleles (0.000062%); highest among the groups gnomAD compares: African/African-American, 0.0013%; no homozygotes.

Submission:

Labcorp Genetics (formerly Invitae), Labcorp
Classification: Uncertain significance for Hereditary sensory and autonomic neuropathy with spastic paraplegia. Last evaluated: 2022-09-10. Review status: criteria provided, single submitter. Criteria: Invitae Variant Classification Sherloc (09022015). Collection method: clinical testing. Allele origin: germline.
Comment: In summary, the available evidence is currently insufficient to determine the role of this variant in disease. Therefore, it has been classified as a Variant of Uncertain Significance. Advanced modeling of protein sequence and biophysical properties (such as structural, functional, and spatial information, amino acid conservation, physicochemical variation, residue mobility, and thermodynamic stability) performed at Invitae indicates that this missense variant is expected to disrupt CCT5 protein function. This variant has not been reported in the literature in individuals affected with CCT5-related conditions. This variant is not present in population databases (gnomAD no frequency). This sequence change replaces lysine, which is basic and polar, with glutamic acid, which is acidic and polar, at codon 232 of the CCT5 protein (p.Lys232Glu).

NM_012073.5(CCT5):c.694A>G (p.Lys232Glu)

Gene: CCT5 (chaperonin containing TCP1 subunit 5; plus strand). Cytogenetic location: 5p15.2.
Variant type: single nucleotide variant.
Coding change: c.694A>G on transcript NM_012073.5 (MANE Select); coding-DNA position 694, A replaced by G.
Protein change: p.Lys232Glu; replaces lysine 232 with glutamic acid.
Molecular consequence: missense variant.
Genome position (GRCh38, 1-based): chr5:10,258,274, A>G. VCF-style: chr5-10258274-A-G. GRCh37 (hg19) VCF-style: chr5-10258386-A-G.
Other names: c.631A>G, p.Lys211Glu (NM_001306153.1); c.529A>G, p.Lys177Glu (NM_001306154.2); c.415A>G, p.Lys139Glu (NM_001306155.2); c.580A>G, p.Lys194Glu (NM_001306156.2); short protein forms K139E, K177E, K194E, K211E, K232E.
Identifiers: ClinVar variation 1719185 (VCV001719185.5), dbSNP rs2477443478, ClinGen allele CA359182685.